The following is an entry in ClinVar:

ClinVar aggregate classification (germline): Uncertain significance (1 of 4 stars; one submission).

gnomAD v4.1: 33 of 1,612,858 alleles (0.002%); highest among the groups gnomAD compares: African/African-American, 0.015%; no homozygotes.

Submission:

Labcorp Genetics (formerly Invitae), Labcorp
Classification: Uncertain significance. Last evaluated: 2024-10-18. Review status: criteria provided, single submitter. Criteria: Invitae Variant Classification Sherloc (09022015). Collection method: clinical testing. Allele origin: germline.
Comment: This sequence change replaces arginine, which is basic and polar, with glutamine, which is neutral and polar, at codon 2 of the AGT protein (p.Arg2Gln). This variant is present in population databases (rs61731498, gnomAD 0.02%). This variant has not been reported in the literature in individuals affected with AGT-related conditions. Invitae Evidence Modeling of protein sequence and biophysical properties (such as structural, functional, and spatial information, amino acid conservation, physicochemical variation, residue mobility, and thermodynamic stability) indicates that this missense variant is not expected to disrupt AGT protein function with a negative predictive value of 95%. In summary, the available evidence is currently insufficient to determine the role of this variant in disease. Therefore, it has been classified as a Variant of Uncertain Significance.

NM_001384479.1(AGT):c.-23G>A

Gene: AGT (angiotensinogen; minus strand). Cytogenetic location: 1q42.2.
Variant type: single nucleotide variant.
Coding change: c.-23G>A on transcript NM_001384479.1 (MANE Select); 23 bases upstream of the start codon, G replaced by A.
Molecular consequence: 5 prime UTR variant.
Genome position (GRCh38, 1-based): chr1:230,710,846, C>T on the plus strand (G>A on the coding strand, the complement: AGT is on the minus strand). VCF-style: chr1-230710846-C-T. GRCh37 (hg19) VCF-style: chr1-230846592-C-T.
Other names: c.-23G>A (NM_001382817.3).
Identifiers: ClinVar variation 3672127 (VCV003672127.2).